The following is an entry in ClinVar:

ClinVar aggregate classification (germline): Uncertain significance. Review status: criteria provided, multiple submitters, no conflicts (2 of 4 stars). 2 submissions from 2 submitters: Uncertain significance (2). Last evaluated 2025-02-08.

Conditions:
Inborn genetic diseases. Identifiers: MedGen C0950123, MeSH D030342.

Allele frequency attached by ClinVar (database versions not stated): gnomAD exomes 0.00005 and 0.00017; gnomAD 0.00006 and 0.00007; TOPMed 0.00007; 1000 Genomes Project 30x 0.00016; ExAC 0.00016; 1000 Genomes Project 0.00020.
gnomAD v4.1: 89 of 1,614,162 alleles (0.0055%); highest among the groups gnomAD compares: Admixed American, 0.067%; 1 homozygote.

Submissions (2):

Ambry Genetics
Classification: Uncertain significance for Inborn genetic diseases. Last evaluated: 2025-02-08. Review status: criteria provided, single submitter. Criteria: Ambry Variant Classification Scheme 2023. Collection method: clinical testing. Allele origin: germline.

Labcorp Genetics (formerly Invitae), Labcorp
Classification: Uncertain significance. Last evaluated: 2023-08-04. Review status: criteria provided, single submitter. Criteria: Invitae Variant Classification Sherloc (09022015). Collection method: clinical testing. Allele origin: germline.
Comment: This variant has not been reported in the literature in individuals affected with SLCO2A1-related conditions. ClinVar contains an entry for this variant (Variation ID: 1346220). Advanced modeling of protein sequence and biophysical properties (such as structural, functional, and spatial information, amino acid conservation, physicochemical variation, residue mobility, and thermodynamic stability) performed at Invitae indicates that this missense variant is not expected to disrupt SLCO2A1 protein function. In summary, the available evidence is currently insufficient to determine the role of this variant in disease. Therefore, it has been classified as a Variant of Uncertain Significance. This variant is present in population databases (rs184853591, gnomAD 0.09%). This sequence change replaces serine, which is neutral and polar, with leucine, which is neutral and non-polar, at codon 70 of the SLCO2A1 protein (p.Ser70Leu).

NM_005630.3(SLCO2A1):c.209C>T (p.Ser70Leu)

Gene: SLCO2A1 (solute carrier organic anion transporter family member 2A1; minus strand). Cytogenetic location: 3q22.1.
Variant type: single nucleotide variant.
Coding change: c.209C>T on transcript NM_005630.3 (MANE Select); coding-DNA position 209, C replaced by T.
Protein change: p.Ser70Leu; replaces serine 70 with leucine.
Molecular consequence: missense variant.
Genome position (GRCh38, 1-based): chr3:133,979,506, G>A on the plus strand (C>T on the coding strand, the complement: SLCO2A1 is on the minus strand). VCF-style: chr3-133979506-G-A. GRCh37 (hg19) VCF-style: chr3-133698350-G-A.
Other names: c.209C>T (NM_005630.2); short protein forms S70L.
Identifiers: ClinVar variation 1346220 (VCV001346220.7), dbSNP rs184853591, ClinGen allele CA2626911.